The following is an entry in ClinVar:

NM_005045.4(RELN):c.7739T>A (p.Met2580Lys)

Gene: RELN (reelin; minus strand). Cytogenetic location: 7q22.1.
Variant type: single nucleotide variant.
Coding change: c.7739T>A on transcript NM_005045.4 (MANE Select); coding-DNA position 7739, T replaced by A.
Protein change: p.Met2580Lys; replaces methionine 2580 with lysine.
Molecular consequence: missense variant.
Genome position (GRCh38, 1-based): chr7:103,519,446, A>T on the plus strand (T>A on the coding strand, the complement: RELN is on the minus strand). VCF-style: chr7-103519446-A-T. GRCh37 (hg19) VCF-style: chr7-103159893-A-T.
Other names: c.7739T>A, p.Met2580Lys (NM_173054.3); short protein forms M2580K.
Identifiers: ClinVar variation 2421067 (VCV002421067.5), dbSNP rs758615073, ClinGen allele CA368765122.
Genomic context (GRCh38, chr7:103,519,446, plus strand): 5'-ACAGAATATTCCAAGAGAACACCTTGGTTACGGTTGTTTGGTGTAATCAGGCACCCATAC[A>T]TGAAGTAAAATTGGATGAACTCAGCATTAGTGAGGTTTAGATCCACAGTGACTAATAATC-3'
Protein context (NP_005036.2, residues 2570-2590): TNAEFIQFYF[Met2580Lys]YGCLITPNNR

ClinVar aggregate classification (germline): Uncertain significance (1 of 4 stars; one submission).

Conditions:
Norman-Roberts syndrome (LIS2). Also called: Lissencephaly 2 (Norman-Roberts type). Identifiers: Orphanet 89844, MedGen C0796089, MONDO:0009760, OMIM 257320.
Familial temporal lobe epilepsy 7. Identifiers: Orphanet 101046, MedGen C4225327, MONDO:0014639, OMIM 616436.

gnomAD v4.1: 1 of 1,613,682 alleles (0.000062%); highest among the groups gnomAD compares: African/African-American, 0.0013%; no homozygotes.

Submission:

Labcorp Genetics (formerly Invitae), Labcorp
Classification: Uncertain significance for Familial temporal lobe epilepsy 7; Norman-Roberts syndrome. Last evaluated: 2026-01-05. Review status: criteria provided, single submitter. Criteria: Invitae Variant Classification Sherloc (09022015). Collection method: clinical testing. Allele origin: germline.
Comment: This sequence change replaces methionine, which is neutral and non-polar, with lysine, which is basic and polar, at codon 2580 of the RELN protein (p.Met2580Lys). This variant is not present in population databases (gnomAD no frequency). This variant has not been reported in the literature in individuals affected with RELN-related conditions. ClinVar contains an entry for this variant (Variation ID: 2421067). Invitae Evidence Modeling of protein sequence and biophysical properties (such as structural, functional, and spatial information, amino acid conservation, physicochemical variation, residue mobility, and thermodynamic stability) indicates that this missense variant is not expected to disrupt RELN protein function with a negative predictive value of 80%. In summary, the available evidence is currently insufficient to determine the role of this variant in disease. Therefore, it has been classified as a Variant of Uncertain Significance.